The following is an entry in ClinVar:

ClinVar aggregate classification (germline): Uncertain significance. Review status: criteria provided, multiple submitters, no conflicts (2 of 4 stars). 4 submissions from 4 submitters: Uncertain significance (4). Last evaluated 2025-05-25.

Conditions:
Hypertrophic cardiomyopathy. Also called: HYPERTROPHIC MYOCARDIOPATHY. Identifiers: Orphanet 217569, MedGen C0007194, MeSH D002312, MONDO:0005045, HP:0001639.
Cardiomyopathy (CMYO). Also called: Cardiomyopathies. Identifiers: Orphanet 167848, MedGen C0878544, MONDO:0004994, HP:0001638. Inheritance: Various modes of inheritance.
Cardiovascular phenotype. Identifiers: MedGen CN230736.

Allele frequency attached by ClinVar (database versions not stated): gnomAD exomes below 0.00001.
gnomAD v4.1: 2 of 1,585,306 alleles (0.00013%); highest among the groups gnomAD compares: Non-Finnish European, 0.000086%; no homozygotes.

Submissions (4):

Color Diagnostics, LLC DBA Color Health
Classification: Uncertain significance for Cardiomyopathy. Last evaluated: 2025-05-25. Review status: criteria provided, single submitter. Criteria: ACMG Guidelines, 2015. Collection method: clinical testing. Allele origin: germline.
Comment: This missense variant replaces serine with leucine at codon 914 of the MYBPC3 protein. Computational prediction suggests that this variant may not impact protein structure and function. To our knowledge, functional studies have not been reported for this variant. This variant has not been reported in individuals affected with MYBPC3-related disorders in the literature. This variant has not been identified in the general population by the Genome Aggregation Database (gnomAD). The available evidence is insufficient to determine the role of this variant in disease conclusively. Therefore, this variant is classified as a Variant of Uncertain Significance.

Blueprint Genetics
Classification: Uncertain significance. Last evaluated: 2024-05-03. Review status: criteria provided, single submitter. Criteria: ACMG Guidelines, 2015. Collection method: clinical testing. Allele origin: germline.

All of Us Research Program, National Institutes of Health
Classification: Uncertain significance for Hypertrophic cardiomyopathy. Last evaluated: 2023-11-30. Review status: criteria provided, single submitter. Criteria: ACMG Guidelines, 2015. Collection method: clinical testing. Allele origin: germline. Inheritance: Autosomal dominant inheritance. Observed: 1 variant allele, 1 heterozygote.
Comment: This study involves interpretation of variants in research participants for the purpose of population health screening. Participant phenotype was not available at the time of variant classification. Additional details can be found in publication PMID: 35346344, PMCID: PMC8962531

Ambry Genetics
Classification: Uncertain significance for Cardiovascular phenotype. Last evaluated: 2023-06-27. Review status: criteria provided, single submitter. Criteria: Ambry Variant Classification Scheme 2023. Collection method: clinical testing. Allele origin: germline.

NM_000256.3(MYBPC3):c.2741C>T (p.Ser914Leu)

Gene: MYBPC3 (myosin binding protein C3; minus strand). Cytogenetic location: 11p11.2.
Variant type: single nucleotide variant.
Coding change: c.2741C>T on transcript NM_000256.3 (MANE Select); coding-DNA position 2741, C replaced by T.
Protein change: p.Ser914Leu; replaces serine 914 with leucine.
Molecular consequence: missense variant.
Genome position (GRCh38, 1-based): chr11:47,335,206, G>A on the plus strand (C>T on the coding strand, the complement: MYBPC3 is on the minus strand). VCF-style: chr11-47335206-G-A. GRCh37 (hg19) VCF-style: chr11-47356757-G-A.
Other names: short protein forms S914L.
Identifiers: ClinVar variation 2606709 (VCV002606709.5), dbSNP rs2095881115, ClinGen allele CA380316854.
Genomic context (GRCh38, chr11:47,335,206, plus strand): 5'-AGGTCCTTCACCAGTATCGATGTGTGCTCTGTCAGCCCCTGCAGGGCAGCCACCCACTCT[G>A]AGCCTGGGGGTGGGGAGGGGGAGGCAAGGCCACAGGCTGTGTCACCACTGACACCCCACT-3'
Protein context (NP_000247.2, residues 904-924): YSVEYCPEGC[Ser914Leu]EWVAALQGLT